The following is an entry in ClinVar:

ClinVar aggregate classification (germline): Conflicting classifications of pathogenicity. Review status: criteria provided, conflicting classifications (1 of 4 stars). 2 submissions from 2 submitters: Pathogenic (1); Uncertain significance (1). Last evaluated 2026-03-14.

gnomAD v4.1: 581 of 1,536,048 alleles (0.038%); highest among the groups gnomAD compares: Non-Finnish European, 0.044%; 1 homozygote.

Submissions (2):

GeneDx
Classification: Uncertain significance. Last evaluated: 2026-03-14. Review status: criteria provided, single submitter. Criteria: GeneDx Variant Classification Process June 2021. Collection method: clinical testing. Allele origin: germline.
Comment: Identified with a second CFAP54 variant in a patient with primary ciliary dyskinesia in the published literature, and familial testing suggests the variants are likely present on opposite alleles (in trans) (PMID: 39362668); Nonsense variant predicted to result in protein truncation or nonsense mediated decay in a gene for which loss of function is a known mechanism of disease; This variant is associated with the following publications: (PMID: 39362668)

Labcorp Genetics (formerly Invitae), Labcorp
Classification: Pathogenic. Last evaluated: 2025-01-20. Review status: criteria provided, single submitter. Criteria: Invitae Variant Classification Sherloc (09022015). Collection method: clinical testing. Allele origin: germline.
Comment: This sequence change creates a premature translational stop signal (p.Lys618*) in the CFAP54 gene. It is expected to result in an absent or disrupted protein product. Loss-of-function variants in CFAP54 are known to be pathogenic (PMID: 26224312, 31108397). This variant is present in population databases (rs541409055, gnomAD 0.04%). This variant has not been reported in the literature in individuals affected with CFAP54-related conditions. For these reasons, this variant has been classified as Pathogenic.

Literature cited by the submitters: PubMed 26224312 (cited by Labcorp Genetics (formerly Invitae), Labcorp); PubMed 31108397 (cited by Labcorp Genetics (formerly Invitae), Labcorp).

NM_001306084.2(CFAP54):c.1852A>T (p.Lys618Ter)

Gene: CFAP54 (cilia and flagella associated protein 54; plus strand). Cytogenetic location: 12q23.1.
Variant type: single nucleotide variant.
Coding change: c.1852A>T on transcript NM_001306084.2 (MANE Select); coding-DNA position 1852, A replaced by T.
Protein change: p.Lys618Ter; replaces lysine 618 with a stop codon.
Molecular consequence: nonsense.
Genome position (GRCh38, 1-based): chr12:96,538,444, A>T. VCF-style: chr12-96538444-A-T. GRCh37 (hg19) VCF-style: chr12-96932222-A-T.
Other names: c.1852A>T, p.Lys618Ter (NM_001367885.1); c.1852A>T (NM_001306084.1); short protein forms K618*.
Identifiers: ClinVar variation 3702596 (VCV003702596.4).